The following is an entry in ClinVar:

NM_001165963.4(SCN1A):c.773T>C (p.Leu258Pro)

Gene: SCN1A (sodium voltage-gated channel alpha subunit 1; minus strand). Cytogenetic location: 2q24.3.
Variant type: single nucleotide variant.
Coding change: c.773T>C on transcript NM_001165963.4 (MANE Select); coding-DNA position 773, T replaced by C.
Protein change: p.Leu258Pro; replaces leucine 258 with proline.
Molecular consequence: missense variant. On other transcripts: 5 prime UTR variant (1), non-coding transcript variant (1).
Genome position (GRCh38, 1-based): chr2:166,051,910, A>G on the plus strand (T>C on the coding strand, the complement: SCN1A is on the minus strand). VCF-style: chr2-166051910-A-G. GRCh37 (hg19) VCF-style: chr2-166908420-A-G.
Other names: c.773T>C, p.Leu258Pro (NM_001165964.3, NM_001202435.3, NM_001353948.2 and 10 more transcripts); c.-1653T>C (NM_001353961.2); short protein forms L258P.
Identifiers: ClinVar variation 3341488 (VCV003341488.1).

ClinVar aggregate classification (germline): Uncertain significance (1 of 4 stars; one submission).

Conditions:
Developmental and epileptic encephalopathy 6B. Also called: Developmental and epileptic encephalopathy 6B, non-Dravet. Identifiers: MedGen C5543353, MONDO:0030268, OMIM 619317.

Submission:

Neuberg Centre For Genomic Medicine, NCGM
Classification: Uncertain significance for Developmental and epileptic encephalopathy 6B. Last evaluated: 2023-05-20. Review status: criteria provided, single submitter. Criteria: ACMG Guidelines, 2015. Collection method: clinical testing. Allele origin: germline. Inheritance: Autosomal dominant inheritance. Affected: yes.
Comment: The missense variant c.773T>C(p.Leu258Pro) in SCN1A gene has been reported in individual affected with SCN1A related disorder (Wahab et. al., 2017). The observed variant is absent in gnomAD exomes database. This variant has not been submitted to the ClinVar database. Multiple lines of computational evidence (Polyphen - probably damaging , SIFT - damaging and MutationTaster - disease causing) predict a damaging effect on protein structure and function for this variant. The amino acid change p.Leu258Pro in SCN1A is predicted as conserved by GERP++ and PhyloP across 100 vertebrates. The amino acid Leu at position 258 is changed to a Pro changing protein sequence and it might alter its composition and physico-chemical properties. For these reasons, this variant has been classified as Uncertain Significance (VUS).